The following is an entry in ClinVar:

NM_001369.3(DNAH5):c.4481G>A (p.Arg1494Gln)

Genes: DNAH5 (dynein axonemal heavy chain 5; minus strand), DNAH5-AS1 (DNAH5 antisense RNA 1; plus strand). Cytogenetic location: 5p15.2.
Variant type: single nucleotide variant.
Coding change: c.4481G>A on transcript NM_001369.3 (MANE Select); coding-DNA position 4481, G replaced by A.
Protein change: p.Arg1494Gln; replaces arginine 1494 with glutamine.
Molecular consequence: missense variant.
Genome position (GRCh38, 1-based): chr5:13,864,512, C>T on the plus strand (G>A on the coding strand, the complement: DNAH5 is on the minus strand). VCF-style: chr5-13864512-C-T. GRCh37 (hg19) VCF-style: chr5-13864621-C-T.
Other names: c.4481G>A (NM_001369.2); short protein forms R1494Q.
Identifiers: ClinVar variation 1044191 (VCV001044191.9), dbSNP rs372291214, ClinGen allele CA3203969.

ClinVar aggregate classification (germline): Uncertain significance. Review status: criteria provided, multiple submitters, no conflicts (2 of 4 stars). 3 submissions from 3 submitters: Uncertain significance (2). 1 of the submissions does not count toward it. Last evaluated 2022-01-26.

Conditions:
Primary ciliary dyskinesia. Also called: Ciliary dyskinesia. Identifiers: Orphanet 244, MedGen C0008780, MONDO:0016575, HP:0012265.

Allele frequency attached by ClinVar (database versions not stated): gnomAD exomes 0.00002; TOPMed 0.00004; ExAC 0.00004; gnomAD 0.00004; ESP Exome Variant Server 0.00008.
gnomAD v4.1: 38 of 1,613,978 alleles (0.0024%); highest among the groups gnomAD compares: East Asian, 0.0067%; no homozygotes.

Submissions (3):

Ambry Genetics
Classification: Uncertain significance for Primary ciliary dyskinesia. Last evaluated: 2022-01-26. Review status: criteria provided, single submitter. Criteria: Ambry Variant Classification Scheme 2023. Collection method: clinical testing. Allele origin: germline.

Labcorp Genetics (formerly Invitae), Labcorp
Classification: Uncertain significance for Primary ciliary dyskinesia. Last evaluated: 2021-08-26. Review status: criteria provided, single submitter. Criteria: Invitae Variant Classification Sherloc (09022015). Collection method: clinical testing. Allele origin: germline.
Comment: This sequence change replaces arginine with glutamine at codon 1494 of the DNAH5 protein (p.Arg1494Gln). The arginine residue is moderately conserved and there is a small physicochemical difference between arginine and glutamine. This variant is present in population databases (rs372291214, ExAC 0.01%). This variant has not been reported in the literature in individuals affected with DNAH5-related conditions. Algorithms developed to predict the effect of missense changes on protein structure and function are either unavailable or do not agree on the potential impact of this missense change (SIFT: "Deleterious"; PolyPhen-2: "Possibly Damaging"; Align-GVGD: "Class C0"). In summary, the available evidence is currently insufficient to determine the role of this variant in disease. Therefore, it has been classified as a Variant of Uncertain Significance.

Natera, Inc.
Classification: Uncertain significance for Primary ciliary dyskinesia. Last evaluated: 2020-04-30. Review status: no assertion criteria provided. Collection method: clinical testing. Allele origin: germline. Not counted in ClinVar's aggregate classification.